The following is an entry in ClinVar:

ClinVar aggregate classification (germline): Uncertain significance (1 of 4 stars; one submission).

gnomAD v4.1: 1 of 1,614,072 alleles (0.000062%); highest among the groups gnomAD compares: Admixed American, 0.0017%; no homozygotes.

Submission:

GeneDx
Classification: Uncertain significance. Last evaluated: 2025-01-14. Review status: criteria provided, single submitter. Criteria: GeneDx Variant Classification Process June 2021. Collection method: clinical testing. Allele origin: germline. Affected: yes.
Comment: Not observed at significant frequency in large population cohorts (gnomAD); In silico analysis supports that this missense variant has a deleterious effect on protein structure/function; Has not been previously published as pathogenic or benign to our knowledge

NM_001982.4(ERBB3):c.2813T>C (p.Ile938Thr)

Gene: ERBB3 (erb-b2 receptor tyrosine kinase 3; plus strand). Cytogenetic location: 12q13.2.
Variant type: single nucleotide variant.
Coding change: c.2813T>C on transcript NM_001982.4 (MANE Select); coding-DNA position 2813, T replaced by C.
Protein change: p.Ile938Thr; replaces isoleucine 938 with threonine.
Molecular consequence: missense variant.
Genome position (GRCh38, 1-based): chr12:56,098,879, T>C. VCF-style: chr12-56098879-T-C. GRCh37 (hg19) VCF-style: chr12-56492663-T-C.
Other names: short protein forms I938T.
Identifiers: ClinVar variation 4056819 (VCV004056819.1).